The following is an entry in ClinVar:

ClinVar aggregate classification (germline): Uncertain significance (1 of 4 stars; one submission).

Conditions:
SHORT syndrome. Also called: LIPODYSTROPHY, PARTIAL, WITH RIEGER ANOMALY AND SHORT STATURE; PIK3R1-Related SHORT Syndrome; SHORT STATURE, HYPEREXTENSIBILITY, HERNIA, OCULAR DEPRESSION, RIEGER ANOMALY, AND TEETHING DELAY. Identifiers: Orphanet 3163, MedGen C0878684, MONDO:0010026, OMIM 269880.
Agammaglobulinemia 7, autosomal recessive (AGM7). Also called: AGAMMAGLOBULINEMIA, AUTOSOMAL RECESSIVE, DUE TO PIK3R1 DEFECT. Identifiers: MedGen C3554689, MONDO:0014083, OMIM 615214.
Immunodeficiency 36 with lymphoproliferation. Also called: Immunodeficiency 36; ACTIVATED PI3K-DELTA SYNDROME 2; Activated PI3K Delta Syndrome Type 2 (APDS2). Identifiers: Orphanet 397596, Orphanet 693681, MedGen C4014934, MONDO:0014453, OMIM 616005.

Submission:

Labcorp Genetics (formerly Invitae), Labcorp
Classification: Uncertain significance for SHORT syndrome; Immunodeficiency 36 with lymphoproliferation; Agammaglobulinemia 7, autosomal recessive. Last evaluated: 2024-02-17. Review status: criteria provided, single submitter. Criteria: Invitae Variant Classification Sherloc (09022015). Collection method: clinical testing. Allele origin: germline.
Comment: This sequence change replaces leucine, which is neutral and non-polar, with proline, which is neutral and non-polar, at codon 40 of the PIK3R1 protein (p.Leu40Pro). This variant is not present in population databases (gnomAD no frequency). This variant has not been reported in the literature in individuals affected with PIK3R1-related conditions. ClinVar contains an entry for this variant (Variation ID: 1354488). An algorithm developed to predict the effect of missense changes on protein structure and function (PolyPhen-2) suggests that this variant is likely to be disruptive. In summary, the available evidence is currently insufficient to determine the role of this variant in disease. Therefore, it has been classified as a Variant of Uncertain Significance.

NM_181523.3(PIK3R1):c.119T>C (p.Leu40Pro)

Gene: PIK3R1 (phosphoinositide-3-kinase regulatory subunit 1; plus strand). Cytogenetic location: 5q13.1.
Variant type: single nucleotide variant.
Coding change: c.119T>C on transcript NM_181523.3 (MANE Select); coding-DNA position 119, T replaced by C.
Protein change: p.Leu40Pro; replaces leucine 40 with proline.
Molecular consequence: missense variant.
Genome position (GRCh38, 1-based): chr5:68,226,794, T>C. VCF-style: chr5-68226794-T-C. GRCh37 (hg19) VCF-style: chr5-67522622-T-C.
Other names: short protein forms L40P.
Identifiers: ClinVar variation 1354488 (VCV001354488.6), dbSNP rs2111964134, ClinGen allele CA359979612.